The following is an entry in ClinVar:

ClinVar aggregate classification (germline): Pathogenic. Review status: criteria provided, multiple submitters, no conflicts (2 of 4 stars). 3 submissions from 3 submitters: Pathogenic (3). Last evaluated 2023-11-08.

Conditions:
Granulomatous disease, chronic, X-linked. Also called: GRANULOMATOUS DISEASE, CHRONIC, X-LINKED, SOMATIC MOSAIC; CYTOCHROME b-NEGATIVE GRANULOMATOUS DISEASE, CHRONIC, X-LINKED. Identifiers: Orphanet 379, MedGen C1844376, MONDO:0010600, OMIM 306400.

Submissions (3):

Labcorp Genetics (formerly Invitae), Labcorp
Classification: Pathogenic for Granulomatous disease, chronic, X-linked. Last evaluated: 2023-11-08. Review status: criteria provided, single submitter. Criteria: Invitae Variant Classification Sherloc (09022015). Collection method: clinical testing. Allele origin: germline.
Comment: This sequence change affects a donor splice site in intron 5 of the CYBB gene. It is expected to disrupt RNA splicing. Variants that disrupt the donor or acceptor splice site typically lead to a loss of protein function (PMID: 16199547), and loss-of-function variants in CYBB are known to be pathogenic (PMID: 9585602, 20729109). This variant is not present in population databases (gnomAD no frequency). Disruption of this splice site has been observed in individuals with chronic granulomatous disease (PMID: 11162142, 15454837, 27853979, 28251166). This variant is also known as IVS5+1G>A. ClinVar contains an entry for this variant (Variation ID: 1070320). Algorithms developed to predict the effect of sequence changes on RNA splicing suggest that this variant may disrupt the consensus splice site. For these reasons, this variant has been classified as Pathogenic.

GeneDx
Classification: Pathogenic. Last evaluated: 2019-07-10. Review status: criteria provided, single submitter. Criteria: GeneDx Variant Classification Process June 2021. Collection method: clinical testing. Allele origin: germline. Affected: yes.
Comment: Canonical splice site variant in a gene for which loss-of-function is a known mechanism of disease; Not observed in large population cohorts (Lek et al., 2016); This variant is associated with the following publications: (PMID: 11162142, 18546332, 20729109, 15454837, 29223406)

Clinical Genetics Service, Universitary Hospital 12 de Octubre
Classification: Pathogenic for Granulomatous disease, chronic, X-linked. Review status: criteria provided, single submitter. Criteria: ACMG Guidelines, 2015. Collection method: clinical testing. Allele origin: maternal. Affected: yes.

Literature cited by the submitters: PubMed 16199547 (cited by Labcorp Genetics (formerly Invitae), Labcorp); PubMed 9585602 (cited by Labcorp Genetics (formerly Invitae), Labcorp); PubMed 20729109 (cited by Labcorp Genetics (formerly Invitae), Labcorp); PubMed 11162142 (cited by Labcorp Genetics (formerly Invitae), Labcorp); PubMed 15454837 (cited by Labcorp Genetics (formerly Invitae), Labcorp); PubMed 27853979 (cited by Labcorp Genetics (formerly Invitae), Labcorp); PubMed 28251166 (cited by Labcorp Genetics (formerly Invitae), Labcorp).

NM_000397.4(CYBB):c.483+1G>A

Gene: CYBB (cytochrome b-245 beta chain; plus strand). Cytogenetic location: Xp21.1.
Variant type: single nucleotide variant.
Coding change: c.483+1G>A on transcript NM_000397.4 (MANE Select); the canonical splice donor site of the intron after coding-DNA position 483, G replaced by A.
Molecular consequence: splice donor variant.
Genome position (GRCh38, 1-based): chrX:37,793,811, G>A. VCF-style: chrX-37793811-G-A. GRCh37 (hg19) VCF-style: chrX-37653064-G-A.
Other names: c.483+1G>A (NM_000397.3).
Identifiers: ClinVar variation 1070320 (VCV001070320.12), dbSNP rs1131691828, ClinGen allele CA412975617.